The following is an entry in ClinVar:

NM_005751.5(AKAP9):c.9374_9378del (p.Asn3125fs)

Gene: AKAP9 (A-kinase anchoring protein 9; plus strand). Cytogenetic location: 7q21.2.
Variant type: Microsatellite.
Coding change: c.9374_9378del on transcript NM_005751.5 (MANE Select); coding-DNA positions 9374 to 9378, 5 bases deleted (ATATA; older notation c.9374_9378delATATA).
Protein change: p.Asn3125fs; shifts the reading frame from asparagine 3125.
Molecular consequence: frameshift variant.
Genome position (GRCh38, 1-based): chr7:92,093,112-92,093,116, ATATA deleted; deleting any 5 consecutive bases within chr7:92,093,106-92,093,116 gives the same sequence; the c. name uses the placement nearest the transcript's 3' end. VCF-style (leftmost placement, unchanged base first): chr7-92093105-GAATAT-G. GRCh37 (hg19) VCF-style: chr7-91722419-GAATAT-G.
Other names: c.4019_4023del, p.Asn1340fs (NM_001379277.1); c.9350_9354del, p.Asn3117fs (NM_147185.3); short protein forms N3125fs, N1340fs, N3117fs.
Identifiers: ClinVar variation 1411051 (VCV001411051.6), dbSNP rs2130891662, ClinGen allele CA2580615918.

ClinVar aggregate classification (germline): Uncertain significance (1 of 4 stars; one submission).

Conditions:
Long QT syndrome (LQTS). Identifiers: MedGen C0023976, MeSH D008133, MONDO:0002442. Disease mechanism: loss of function. Inheritance: Various modes of inheritance.

Submission:

Labcorp Genetics (formerly Invitae), Labcorp
Classification: Uncertain significance for Long QT syndrome. Last evaluated: 2021-02-21. Review status: criteria provided, single submitter. Criteria: Invitae Variant Classification Sherloc (09022015). Collection method: clinical testing. Allele origin: germline.
Comment: In summary, the available evidence is currently insufficient to determine the role of this variant in disease. Therefore, it has been classified as a Variant of Uncertain Significance. This variant has not been reported in the literature in individuals with AKAP9-related conditions. This variant is not present in population databases (ExAC no frequency). This sequence change creates a premature translational stop signal (p.Asn3125Thrfs*31) in the AKAP9 gene. It is expected to result in an absent or disrupted protein product. However, the current clinical and genetic evidence is not sufficient to establish whether loss-of-function variants in AKAP9 cause disease.